The following is an entry in ClinVar:

NC_000002.11:g.(?_51107396)_(51255135_?)del

Gene: NRXN1 (neurexin 1; minus strand). Cytogenetic location: 2p16.3.
Variant type: Deletion.
Identifiers: ClinVar variation 3247395 (VCV003247395.1).

ClinVar aggregate classification (germline): Likely pathogenic (1 of 4 stars; one submission).

Conditions:
Pitt-Hopkins-like syndrome 2 (PTHSL2). Identifiers: Orphanet 221150, Orphanet 600663, MedGen C3280479, MONDO:0013690, OMIM 614325.

Submission:

Labcorp Genetics (formerly Invitae), Labcorp
Classification: Likely pathogenic for Pitt-Hopkins-like syndrome 2. Last evaluated: 2023-10-23. Review status: criteria provided, single submitter. Criteria: Invitae Variant Classification Sherloc (09022015). Collection method: clinical testing. Allele origin: unknown.
Comment: This variant results in the deletion of exons 3-6 and part of exon 2 (c.277_931+41611delinsATTT) of the NRXN1 gene. It is expected to disrupt RNA splicing. Variants that disrupt the donor or acceptor splice site typically lead to a loss of protein function (PMID: 16199547), and loss-of-function variants in NRXN1 are known to be pathogenic (PMID: 19896112, 21964664, 23495017, 23533028, 25149956, 30031152). This variant has not been reported in the literature in individuals affected with NRXN1-related conditions. In summary, the currently available evidence indicates that the variant is pathogenic, but additional data are needed to prove that conclusively. Therefore, this variant has been classified as Likely Pathogenic.

Literature cited by the submitters: PubMed 16199547; PubMed 19896112; PubMed 21964664; PubMed 23495017; PubMed 23533028; PubMed 25149956; PubMed 30031152.